The following is an entry in ClinVar:

NM_000143.4(FH):c.1049G>A (p.Arg350Gln)

Gene: FH (fumarate hydratase; minus strand). Cytogenetic location: 1q43.
Variant type: single nucleotide variant.
Coding change: c.1049G>A on transcript NM_000143.4 (MANE Select); coding-DNA position 1049, G replaced by A.
Protein change: p.Arg350Gln; replaces arginine 350 with glutamine.
Molecular consequence: missense variant.
Genome position (GRCh38, 1-based): chr1:241,504,101, C>T on the plus strand (G>A on the coding strand, the complement: FH is on the minus strand). VCF-style: chr1-241504101-C-T. GRCh37 (hg19) VCF-style: chr1-241667401-C-T.
Other names: short protein forms R350Q.
Identifiers: ClinVar variation 485562 (VCV000485562.41), dbSNP rs749316923, ClinGen allele CA1478555.
Genomic context (GRCh38, chr1:241,504,101, plus strand): 5'-CCTGGCATGATACTGCTTCCTGGTTCATTTTCAGGCAAGATCAATTCTCCCAGACCTGAC[C>T]GAGGACCAGAACCCAAAAATCGAATATCATTTGCTATCTTCATCAGACTGCAGGCAGTAG-3'
Protein context (NP_000134.2, residues 340-360): NDIRFLGSGP[Arg350Gln]SGLGELILPE

ClinVar aggregate classification (germline): Conflicting classifications of pathogenicity. Review status: criteria provided, conflicting classifications (1 of 4 stars). 11 submissions from 11 submitters: Uncertain significance (8); Likely benign (2). 1 of the submissions does not count toward it. Last evaluated 2025-01-30.

Conditions:
Hereditary leiomyomatosis and renal cell cancer. Also called: Multiple cutaneous leiomyomas; Familial leiomyomatosis; MULTIPLE CUTANEOUS AND UTERINE LEIOMYOMATA 1, WITH OR WITHOUT RENAL CELL CARCINOMA; Reed syndrome; Multiple cutaneous and uterine leiomyomatosis; Cutaneous leiomyomata with uterine leiomyomata. Identifiers: Orphanet 523, MedGen C1708350, MONDO:0007888, OMIM 150800, HP:0007437. Disease mechanism: loss of function.
Fumarase deficiency (FMRD). Also called: Fumarate Hydratase Deficiency; Fumaric aciduria. Identifiers: Orphanet 24, MedGen C0342770, MONDO:0011730, OMIM 606812.
Hereditary cancer-predisposing syndrome. Also called: Hereditary neoplastic syndrome; Neoplastic Syndromes, Hereditary; Tumor predisposition; Hereditary Cancer Syndrome. Identifiers: Orphanet 140162, MedGen C0027672, MeSH D009386, MONDO:0015356.

Allele frequency attached by ClinVar (database versions not stated): gnomAD exomes 0.00002 and 0.00004; TOPMed 0.00003; ExAC 0.00005; gnomAD 0.00002.
gnomAD v4.1: 35 of 1,614,072 alleles (0.0022%); highest among the groups gnomAD compares: South Asian, 0.0033%; no homozygotes.

Submissions (12):

Quest Diagnostics Nichols Institute San Juan Capistrano
Classification: Uncertain significance. Last evaluated: 2025-01-30. Review status: criteria provided, single submitter. Criteria: Quest Diagnostics criteria. Collection method: clinical testing. Allele origin: unknown.
Comment: The FH c.1049G>A (p.Arg350Gln) variant has not been reported in individuals with FH-related conditions in the published literature. The frequency of this variant in the general population (Genome Aggregation Database) is uninformative in the assessment of its pathogenicity. Analysis of this variant using bioinformatics tools for the prediction of the effect of amino acid changes on protein structure and function yielded predictions that this variant is damaging. Additional analysis using software algorithms for the prediction of the effect of nucleotide changes on FH mRNA splicing yielded predictions that this variant may result in the gain of a cryptic splice site without affecting the natural splice sites. Based on the available information, we are unable to determine the clinical significance of this variant.

Labcorp Genetics (formerly Invitae), Labcorp
Classification: Uncertain significance. Last evaluated: 2024-12-08. Review status: criteria provided, single submitter. Criteria: Invitae Variant Classification Sherloc (09022015). Collection method: clinical testing. Allele origin: germline.
Comment: This sequence change replaces arginine, which is basic and polar, with glutamine, which is neutral and polar, at codon 350 of the FH protein (p.Arg350Gln). This variant is present in population databases (rs749316923, gnomAD 0.006%). This variant has not been reported in the literature in individuals affected with FH-related conditions. ClinVar contains an entry for this variant (Variation ID: 485562). Invitae Evidence Modeling of protein sequence and biophysical properties (such as structural, functional, and spatial information, amino acid conservation, physicochemical variation, residue mobility, and thermodynamic stability) indicates that this missense variant is expected to disrupt FH protein function with a positive predictive value of 95%. RNA analysis performed to evaluate the impact of this missense change on mRNA splicing indicates it does not significantly alter splicing (internal data). In summary, the available evidence is currently insufficient to determine the role of this variant in disease. Therefore, it has been classified as a Variant of Uncertain Significance.

GeneDx
Classification: Uncertain significance. Last evaluated: 2024-11-01. Review status: criteria provided, single submitter. Criteria: GeneDx Variant Classification Process June 2021. Collection method: clinical testing. Allele origin: germline. Affected: yes.
Comment: Not observed at significant frequency in large population cohorts (gnomAD); In silico analysis supports that this missense variant has a deleterious effect on protein structure/function; Identified in an individual with thyroid cancer (PMID: 29684080); This variant is associated with the following publications: (PMID: 28873162, 29684080)

Myriad Genetics, Inc.
Classification: Likely benign for Hereditary leiomyomatosis and renal cell cancer. Last evaluated: 2024-10-21. Review status: criteria provided, single submitter. Criteria: Myriad Autosomal Dominant, Autosomal Recessive and X-Linked Classification Criteria (2023). Collection method: clinical testing. Allele origin: unknown.
Comment: This variant is considered likely benign. This variant has been observed at a population frequency that is significantly greater than expected given the associated disease prevalence and penetrance.

Ambry Genetics
Classification: Likely benign for Hereditary cancer-predisposing syndrome. Last evaluated: 2024-10-11. Review status: criteria provided, single submitter. Criteria: Ambry Variant Classification Scheme 2023. Collection method: clinical testing. Allele origin: germline.

Blueprint Genetics
Classification: Uncertain significance. Last evaluated: 2024-04-03. Review status: criteria provided, single submitter. Criteria: ACMG Guidelines, 2015. Collection method: clinical testing. Allele origin: germline.

Fulgent Genetics
Classification: Uncertain significance for Hereditary leiomyomatosis and renal cell cancer; Fumarase deficiency. Last evaluated: 2024-03-12. Review status: criteria provided, single submitter. Criteria: ACMG Guidelines, 2015. Collection method: clinical testing. Allele origin: germline.

Baylor Genetics
Classification: Uncertain significance for Fumarase deficiency. Last evaluated: 2023-11-11. Review status: criteria provided, single submitter. Criteria: ACMG Guidelines, 2015. Collection method: clinical testing. Allele origin: unknown.

Revvity Omics, Revvity
Classification: Uncertain significance. Last evaluated: 2022-06-28. Review status: criteria provided, single submitter. Criteria: ACMG Guidelines, 2015. Collection method: clinical testing. Allele origin: germline.

Breakthrough Genomics
Classification: Uncertain significance. Review status: criteria provided, single submitter. Criteria: ACMG Guidelines, 2015. Collection method: not provided. Allele origin: germline. Inheritance: Autosomal recessive inheritance. Affected: yes.

Natera, Inc.
Classification: Uncertain significance for Fumarase deficiency. Last evaluated: 2020-01-17. Review status: no assertion criteria provided. Collection method: clinical testing. Allele origin: germline. Not counted in ClinVar's aggregate classification.

Blake Wilde Laboratory, Roswell Park Comprehensive Cancer Center
No classification provided (evidence only). Condition: Hereditary leiomyomatosis and renal cell cancer. Review status: no classification provided. Collection method: in vitro. Allele origin: not applicable. Functional consequence: decreased enzyme activity. Not counted in ClinVar's aggregate classification.